The following is an entry in ClinVar:

NM_015021.3(ZNF292):c.7554C>T (p.Asn2518=)

Gene: ZNF292 (zinc finger protein 292; plus strand). Cytogenetic location: 6q14.3.
Variant type: single nucleotide variant.
Coding change: c.7554C>T on transcript NM_015021.3 (MANE Select); coding-DNA position 7554, C replaced by T.
Protein change: p.Asn2518=; no amino-acid change (asparagine 2518 retained).
Molecular consequence: synonymous variant.
Genome position (GRCh38, 1-based): chr6:87,261,183, C>T. VCF-style: chr6-87261183-C-T. GRCh37 (hg19) VCF-style: chr6-87970901-C-T.
Other names: c.7134C>T, p.Asn2378= (NM_001351444.2).
Identifiers: ClinVar variation 4534770 (VCV004534770.6).

ClinVar aggregate classification (germline): Likely benign (1 of 4 stars; one submission).

Submission:

CeGaT Center for Human Genetics Tuebingen
Classification: Likely benign. Last evaluated: 2025-11-01. Review status: criteria provided, single submitter. Criteria: CeGaT Center For Human Genetics Tuebingen Variant Classification Criteria Version 2. Collection method: clinical testing. Allele origin: germline. Affected: yes. Observed: 1 variant allele.
Comment: ZNF292: PM2:Supporting, BP4, BP7